The following is an entry in ClinVar:

ClinVar aggregate classification (germline): Uncertain significance (1 of 4 stars; one submission).

Submission:

GeneDx
Classification: Uncertain significance. Last evaluated: 2024-06-11. Review status: criteria provided, single submitter. Criteria: GeneDx Variant Classification Process June 2021. Collection method: clinical testing. Allele origin: germline. Affected: yes.
Comment: Not observed at significant frequency in large population cohorts (gnomAD); In silico analysis supports that this missense variant has a deleterious effect on protein structure/function; Has not been previously published as pathogenic or benign to our knowledge

NM_001330700.2(TOP2B):c.2630T>C (p.Ile877Thr)

Gene: TOP2B (DNA topoisomerase II beta; minus strand). Cytogenetic location: 3p24.2.
Variant type: single nucleotide variant.
Coding change: c.2630T>C on transcript NM_001330700.2 (MANE Select); coding-DNA position 2630, T replaced by C.
Protein change: p.Ile877Thr; replaces isoleucine 877 with threonine.
Molecular consequence: missense variant.
Genome position (GRCh38, 1-based): chr3:25,623,612, A>G on the plus strand (T>C on the coding strand, the complement: TOP2B is on the minus strand). VCF-style: chr3-25623612-A-G. GRCh37 (hg19) VCF-style: chr3-25665103-A-G.
Other names: c.2615T>C, p.Ile872Thr (NM_001068.3); short protein forms I872T, I877T.
Identifiers: ClinVar variation 1691645 (VCV001691645.4), dbSNP rs2125369041, ClinGen allele CA351900539.